The following is an entry in ClinVar:

NM_002508.3(NID1):c.2T>A (p.Met1Lys)

Gene: NID1 (nidogen 1; minus strand). Cytogenetic location: 1q42.3.
Variant type: single nucleotide variant.
Coding change: c.2T>A on transcript NM_002508.3 (MANE Select); coding-DNA position 2, T replaced by A.
Protein change: p.Met1Lys; changes the start codon (methionine 1).
Molecular consequence: missense variant, initiator codon variant.
Genome position (GRCh38, 1-based): chr1:236,065,078, A>T on the plus strand (T>A on the coding strand, the complement: NID1 is on the minus strand). VCF-style: chr1-236065078-A-T. GRCh37 (hg19) VCF-style: chr1-236228378-A-T.
Other names: short protein forms M1K.
Identifiers: ClinVar variation 418386 (VCV000418386.3), dbSNP rs1064793217, ClinGen allele CA16617090.

ClinVar aggregate classification (germline): Likely pathogenic (1 of 4 stars; one submission).

Allele frequency attached by ClinVar (database versions not stated): TOPMed 0.00001 and 0.00002; gnomAD 0.00001.

Submission:

GeneDx
Classification: Likely pathogenic. Last evaluated: 2016-05-12. Review status: criteria provided, single submitter. Criteria: GeneDx Variant Classification (06012015). Collection method: clinical testing. Allele origin: germline. Affected: yes.
Comment: The c.2 T>A variant in the NID1 gene has not been published as a pathogenic variant, nor has it been reported as a benign polymorphism to our knowledge. The c.2 T>A variant was not observed in approximately 5,700 individuals of European and African American ancestry in the NHLBI Exome Sequencing Project, indicating it is not a common benign variant in these populations. The c.2 T>A variant alters the initiator Methionine codon, and the resultant protein would be described as p.Met1? using a question mark to signify that it is not known if the loss of Met1 means that all protein translation is completely prevented or if an abnormal protein is produced using an alternate Met. The c.2 T>A variant is a good candidate for a disease-causing variant . However, the possibility it may be a rare benign variant cannot be excluded.